The following is an entry in ClinVar:

ClinVar aggregate classification (germline): Likely benign (0 of 4 stars; one submission).

Conditions:
SNRPA-related disorder. Also called: SNRPA-related condition.

Allele frequency attached by ClinVar (database versions not stated): ExAC 0.00041; gnomAD 0.00068; TOPMed 0.00085; 1000 Genomes Project 30x 0.00094; ESP Exome Variant Server 0.00108; 1000 Genomes Project 0.00120.
gnomAD v4.1: 301 of 1,549,908 alleles (0.019%); highest among the groups gnomAD compares: African/African-American, 0.26%; 1 homozygote.

Submission:

PreventionGenetics, part of Exact Sciences
Classification: Likely benign for SNRPA-related condition. Last evaluated: 2019-02-18. Review status: no assertion criteria provided. Collection method: clinical testing. Allele origin: germline.
Comment: This variant is classified as likely benign based on ACMG/AMP sequence variant interpretation guidelines (Richards et al. 2015 PMID: 25741868, with internal and published modifications).

NM_004596.5(SNRPA):c.819C>T (p.Asn273=)

Gene: SNRPA (small nuclear ribonucleoprotein polypeptide A; plus strand). Cytogenetic location: 19q13.2.
Variant type: single nucleotide variant.
Coding change: c.819C>T on transcript NM_004596.5 (MANE Select); coding-DNA position 819, C replaced by T.
Protein change: p.Asn273=; no amino-acid change (asparagine 273 retained).
Molecular consequence: synonymous variant.
Genome position (GRCh38, 1-based): chr19:40,765,137, C>T. VCF-style: chr19-40765137-C-T. GRCh37 (hg19) VCF-style: chr19-41271042-C-T.
Identifiers: ClinVar variation 3048078 (VCV003048078.2), dbSNP rs142041325, ClinGen allele CA9451673.